The following is an entry in ClinVar:

NM_001385001.1(MCTP2):c.2472C>T (p.Gly824=)

Gene: MCTP2 (multiple C2 and transmembrane domain containing 2; plus strand). Cytogenetic location: 15q26.2.
Variant type: single nucleotide variant.
Coding change: c.2472C>T on transcript NM_001385001.1 (MANE Select); coding-DNA position 2472, C replaced by T.
Protein change: p.Gly824=; no amino-acid change (glycine 824 retained).
Molecular consequence: synonymous variant. On other transcripts: non-coding transcript variant (7).
Genome position (GRCh38, 1-based): chr15:94,476,697, C>T. VCF-style: chr15-94476697-C-T. GRCh37 (hg19) VCF-style: chr15-95019926-C-T.
Other names: NC_000015.9:g.95019926C>T; c.2307C>T, p.Gly769= (NM_001159643.2, NM_001385004.1); c.2472C>T, p.Gly824= (NM_001385002.1, NM_001385003.1, NM_018349.4); c.2430C>T, p.Gly810= (NM_001385005.1); c.2349C>T, p.Gly783= (NM_001385006.1); c.2190C>T, p.Gly730= (NM_001385007.1); c.1974C>T, p.Gly658= (NM_001385009.1); c.1809C>T, p.Gly603= (NM_001385010.1).
Identifiers: ClinVar variation 3057056 (VCV003057056.3), dbSNP rs79112132, ClinGen allele CA7750526.

ClinVar aggregate classification (germline): Benign (0 of 4 stars; one submission).

Conditions:
MCTP2-related disorder. Also called: MCTP2-related condition.

Allele frequency attached by ClinVar (database versions not stated): ExAC 0.03931; ESP Exome Variant Server 0.04142; TOPMed 0.05047; gnomAD 0.05139; 1000 Genomes Project 30x 0.08682; 1000 Genomes Project 0.08706.
gnomAD v4.1: 28,409 of 1,512,908 alleles (1.9%); highest among the groups gnomAD compares: African/African-American, 12%; 1,465 homozygotes.

Submissions (6):

PreventionGenetics, part of Exact Sciences
Classification: Benign for MCTP2-related condition. Last evaluated: 2019-02-21. Review status: no assertion criteria provided. Collection method: clinical testing. Allele origin: germline.
Comment: This variant is classified as benign based on ACMG/AMP sequence variant interpretation guidelines (Richards et al. 2015 PMID: 25741868, with internal and published modifications).

Dr. Peter K. Rogan Lab, Western University
No classification provided (evidence only). Condition: Clear cell carcinoma of kidney. Review status: no classification provided. Collection method: in vitro. Allele origin: not applicable. Functional consequence: retained intron. Not counted in ClinVar's aggregate classification.

Dr. Peter K. Rogan Lab, Western University
No classification provided (evidence only). Condition: Lung cancer. Review status: no classification provided. Collection method: in vitro. Allele origin: not applicable. Functional consequence: skipped exon. Not counted in ClinVar's aggregate classification.

Dr. Peter K. Rogan Lab, Western University
No classification provided (evidence only). Condition: Lung cancer. Review status: no classification provided. Collection method: in vitro. Allele origin: not applicable. Functional consequence: skipped exon. Not counted in ClinVar's aggregate classification.

Dr. Peter K. Rogan Lab, Western University
No classification provided (evidence only). Condition: Acute myeloid leukemia. Review status: no classification provided. Collection method: in vitro. Allele origin: not applicable. Functional consequence: retained intron. Not counted in ClinVar's aggregate classification.

Dr. Peter K. Rogan Lab, Western University
No classification provided (evidence only). Condition: Nonpapillary renal cell carcinoma. Review status: no classification provided. Collection method: in vitro. Allele origin: not applicable. Functional consequence: retained intron. Not counted in ClinVar's aggregate classification.